The following is an entry in ClinVar:

ClinVar aggregate classification (germline): Pathogenic (1 of 4 stars; one submission).

Submission:

Labcorp Genetics (formerly Invitae), Labcorp
Classification: Pathogenic. Last evaluated: 2017-07-21. Review status: criteria provided, single submitter. Criteria: Invitae Variant Classification Sherloc (09022015). Collection method: clinical testing. Allele origin: germline.
Comment: For these reasons, this variant has been classified as Pathogenic. Loss-of-function variants in USH2A are known to be pathogenic (PMID: 10909849, 20507924, 24944099, 25649381). This variant has not been reported in the literature in individuals with USH2A-related disease. This variant is not present in population databases (ExAC no frequency). This sequence change creates a premature translational stop signal (p.Leu1749*) in the USH2A gene. It is expected to result in an absent or disrupted protein product.

Literature cited by the submitters: PubMed 10909849; PubMed 20507924; PubMed 24944099; PubMed 25649381.

NM_206933.4(USH2A):c.5246T>G (p.Leu1749Ter)

Genes: USH2A (usherin; minus strand), USH2A-AS2 (USH2A antisense RNA 2; plus strand). Cytogenetic location: 1q41.
Variant type: single nucleotide variant.
Coding change: c.5246T>G on transcript NM_206933.4 (MANE Select); coding-DNA position 5246, T replaced by G.
Protein change: p.Leu1749Ter; replaces leucine 1749 with a stop codon.
Molecular consequence: nonsense.
Genome position (GRCh38, 1-based): chr1:216,083,508, A>C on the plus strand (T>G on the coding strand, the complement: USH2A is on the minus strand). VCF-style: chr1-216083508-A-C. GRCh37 (hg19) VCF-style: chr1-216256850-A-C.
Other names: short protein forms L1749*.
Identifiers: ClinVar variation 1069024 (VCV001069024.7), dbSNP rs1558249837, ClinGen allele CA344857944.